The following is an entry in ClinVar:

NM_000478.6(ALPL):c.244G>A (p.Gly82Arg)

Gene: ALPL (alkaline phosphatase, biomineralization associated; plus strand). Cytogenetic location: 1p36.12.
Variant type: single nucleotide variant.
Coding change: c.244G>A on transcript NM_000478.6 (MANE Select); coding-DNA position 244, G replaced by A.
Protein change: p.Gly82Arg; replaces glycine 82 with arginine.
Molecular consequence: missense variant. On other transcripts: intron variant (1).
Genome position (GRCh38, 1-based): chr1:21,561,159, G>A. VCF-style: chr1-21561159-G-A. GRCh37 (hg19) VCF-style: chr1-21887652-G-A.
Other names: c.79G>A, p.Gly27Arg (NM_001127501.4); c.244G>A, p.Gly82Arg (NM_001369803.2, NM_001369804.2, NM_001369805.2); c.66+414G>A (NM_001177520.3); short protein forms G27R, G82R.
Identifiers: ClinVar variation 2664685 (VCV002664685.2), dbSNP rs2545292224, ClinGen allele CA338878055.

ClinVar aggregate classification (germline): Pathogenic/Likely pathogenic. Review status: criteria provided, multiple submitters, no conflicts (2 of 4 stars). 2 submissions from 2 submitters: Pathogenic (1); Likely pathogenic (1). Last evaluated 2025-08-29.

Conditions:
Hypophosphatasia. Also called: Phosphoethanol-aminuria. Identifiers: Orphanet 436, MedGen C0020630, MeSH D007014, MONDO:0018570.

Submissions (2):

Genomenon, Inc
Classification: Pathogenic for Hypophosphatasia. Last evaluated: 2025-08-29. Review status: criteria provided, single submitter. Criteria: Genomenon Sequence Variant Interpretation Standards. Collection method: curation. Allele origin: germline. Affected: yes.
Comment: ALPL c.244G>A is a missense variant that changes the amino acid at residue 82 from Glycine to Arginine. This variant has been observed in at least one proband affected with hypophosphatasia (PMID:33821301). The variant was found to segregate with disease in at least one affected family (PMID:33821301). At least one functional study has demonstrated a substantial alteration in protein function relative to the wild-type (PMID:33821301). It is absent or not present at a significant frequency in gnomAD. In silico models agree that this variant is possibly or probably damaging. In conclusion, we classify ALPL p.Gly82Arg (c.244G>A) as a pathogenic variant.

JKU Lab, Dept of Paediatrics, Johannes Kepler University
Classification: Likely pathogenic for Hypophosphatasia. Last evaluated: 2023-02-14. Review status: criteria provided, single submitter. Criteria: ACMG Guidelines, 2015. Collection method: clinical testing. Allele origin: germline. Affected: yes. Observed: 1 heterozygote.
Comment: Absent from GnomAD. Functional testing at the JKU lab showed reduced ALP residual activity. The functional test results and ACMG criteria applied can be looked up in the ALPL gene variant database.

Literature cited by the submitters: PubMed 33821301 (cited by Genomenon, Inc and JKU Lab, Dept of Paediatrics, Johannes Kepler University); PubMed 33404770 (cited by JKU Lab, Dept of Paediatrics, Johannes Kepler University).